The following is an entry in ClinVar:

ClinVar aggregate classification (germline): Uncertain significance (1 of 4 stars; one submission).

Allele frequency attached by ClinVar (database versions not stated): gnomAD exomes below 0.00001; TOPMed below 0.00001.
gnomAD v4.1: 2 of 1,610,284 alleles (0.00012%); highest among the groups gnomAD compares: Admixed American, 0.0034%; no homozygotes.

Submission:

Women's Health and Genetics/Laboratory Corporation of America, LabCorp
Classification: Uncertain significance. Last evaluated: 2023-12-08. Review status: criteria provided, single submitter. Criteria: LabCorp Variant Classification Summary - May 2015. Collection method: clinical testing. Allele origin: germline.
Comment: Variant summary: COL4A3 c.223C>A (p.Gln75Lys) results in a conservative amino acid change in the encoded protein sequence. Four of four in-silico tools predict a benign effect of the variant on protein function. The variant allele was found at a frequency of 8.3e-06 in 241428 control chromosomes. The available data on variant occurrences in the general population are insufficient to allow any conclusion about variant significance. To our knowledge, no occurrence of c.223C>A in individuals affected with COL4A3-related conditions and no experimental evidence demonstrating its impact on protein function have been reported. No submitters have cited clinical-significance assessments for this variant to ClinVar after 2014. Based on the evidence outlined above, the variant was classified as uncertain significance.

NM_000091.5(COL4A3):c.223C>A (p.Gln75Lys)

Genes: COL4A3 (collagen type IV alpha 3 chain; plus strand), MFF-DT (MFF divergent transcript; minus strand). Cytogenetic location: 2q36.3.
Variant type: single nucleotide variant.
Coding change: c.223C>A on transcript NM_000091.5 (MANE Select); coding-DNA position 223, C replaced by A.
Protein change: p.Gln75Lys; replaces glutamine 75 with lysine.
Molecular consequence: missense variant.
Genome position (GRCh38, 1-based): chr2:227,240,221, C>A. VCF-style: chr2-227240221-C-A. GRCh37 (hg19) VCF-style: chr2-228104937-C-A.
Other names: short protein forms Q75K.
Identifiers: ClinVar variation 2691522 (VCV002691522.1), dbSNP rs1288558822, ClinGen allele CA350859632.